The following is an entry in ClinVar:

NM_000238.4(KCNH2):c.2041C>T (p.Arg681Trp)

Gene: KCNH2 (potassium voltage-gated channel subfamily H member 2; minus strand). Cytogenetic location: 7q36.1.
Variant type: single nucleotide variant.
Coding change: c.2041C>T on transcript NM_000238.4 (MANE Select); coding-DNA position 2041, C replaced by T.
Protein change: p.Arg681Trp; replaces arginine 681 with tryptophan.
Molecular consequence: missense variant. On other transcripts: non-coding transcript variant (2).
Genome position (GRCh38, 1-based): chr7:150,951,025, G>A on the plus strand (C>T on the coding strand, the complement: KCNH2 is on the minus strand). VCF-style: chr7-150951025-G-A. GRCh37 (hg19) VCF-style: chr7-150648113-G-A.
Other names: c.1021C>T, p.Arg341Trp (NM_172057.3, NM_001204798.2); c.1753C>T, p.Arg585Trp (NM_001406753.1, NM_001406756.1); c.1864C>T, p.Arg622Trp (NM_001406755.1); c.1741C>T, p.Arg581Trp (NM_001406757.1); c.2041C>T, p.Arg681Trp (NM_172056.3); short protein forms R341W, R581W, R585W, R622W, R681W.
Identifiers: ClinVar variation 4526927 (VCV004526927.1).

ClinVar aggregate classification (germline): Uncertain significance (1 of 4 stars; one submission).

Submission:

GeneDx
Classification: Uncertain significance. Last evaluated: 2025-04-29. Review status: criteria provided, single submitter. Criteria: GeneDx Variant Classification Process June 2021. Collection method: clinical testing. Allele origin: germline. Affected: yes.
Comment: Not observed at significant frequency in large population cohorts (gnomAD); In silico analysis supports that this missense variant has a deleterious effect on protein structure/function; This variant is associated with the following publications: (PMID: 32383558)